The following is an entry in ClinVar:

NM_001291415.2(KDM6A):c.3325C>T (p.His1109Tyr)

Gene: KDM6A (lysine demethylase 6A; plus strand). Cytogenetic location: Xp11.3.
Variant type: single nucleotide variant.
Coding change: c.3325C>T on transcript NM_001291415.2 (MANE Select); coding-DNA position 3325, C replaced by T.
Protein change: p.His1109Tyr; replaces histidine 1109 with tyrosine.
Molecular consequence: missense variant. On other transcripts: non-coding transcript variant (1).
Genome position (GRCh38, 1-based): chrX:45,082,600, C>T. VCF-style: chrX-45082600-C-T. GRCh37 (hg19) VCF-style: chrX-44941845-C-T.
Other names: c.3190C>T, p.His1064Tyr (NM_001291416.2, NM_001419811.1); c.3034C>T, p.His1012Tyr (NM_001291417.2); c.2932C>T, p.His978Tyr (NM_001291418.2, NM_001419815.1); c.2281C>T, p.His761Tyr (NM_001291421.2); c.3067C>T, p.His1023Tyr (NM_001410742.1, NM_001419814.1); c.3325C>T, p.His1109Tyr (NM_001419809.1); c.3223C>T, p.His1075Tyr (NM_001419810.1, NM_001419813.1); c.3169C>T, p.His1057Tyr (NM_001419812.1, NM_021140.4); short protein forms H1012Y, H1057Y, H761Y, H1075Y, H1109Y, H978Y, H1023Y, H1064Y.
Identifiers: ClinVar variation 2747455 (VCV002747455.3), dbSNP rs2523219684, ClinGen allele CA412802664.

ClinVar aggregate classification (germline): Uncertain significance (1 of 4 stars; one submission).

Conditions:
Kabuki syndrome 2 (KABUK2). Also called: KDM6A-Related Kabuki Syndrome. Identifiers: Orphanet 2322, MedGen C3275495, MONDO:0010465, OMIM 300867.

Submission:

Labcorp Genetics (formerly Invitae), Labcorp
Classification: Uncertain significance for Kabuki syndrome 2. Last evaluated: 2023-08-02. Review status: criteria provided, single submitter. Criteria: Invitae Variant Classification Sherloc (09022015). Collection method: clinical testing. Allele origin: germline.
Comment: In summary, the available evidence is currently insufficient to determine the role of this variant in disease. Therefore, it has been classified as a Variant of Uncertain Significance. Advanced modeling of protein sequence and biophysical properties (such as structural, functional, and spatial information, amino acid conservation, physicochemical variation, residue mobility, and thermodynamic stability) performed at Invitae indicates that this missense variant is not expected to disrupt KDM6A protein function. This variant has not been reported in the literature in individuals affected with KDM6A-related conditions. This variant is not present in population databases (gnomAD no frequency). This sequence change replaces histidine, which is basic and polar, with tyrosine, which is neutral and polar, at codon 1057 of the KDM6A protein (p.His1057Tyr).